The following is an entry in ClinVar:

ClinVar aggregate classification (germline): Pathogenic (1 of 4 stars; one submission).

gnomAD v4.1: 1 of 1,201,835 alleles (0.000083%); highest among the groups gnomAD compares: Non-Finnish European, 0.00011%; no homozygotes.

Submissions (2):

Labcorp Genetics (formerly Invitae), Labcorp
Classification: Pathogenic. Last evaluated: 2025-05-14. Review status: criteria provided, single submitter. Criteria: Invitae Variant Classification Sherloc (09022015). Collection method: clinical testing. Allele origin: germline.
Comment: This sequence change affects a donor splice site in intron 7 of the CHM gene. It is expected to disrupt RNA splicing. Variants that disrupt the donor or acceptor splice site typically lead to a loss of protein function (PMID: 16199547), and loss-of-function variants in CHM are known to be pathogenic (PMID: 9067750, 23811034). This variant is not present in population databases (gnomAD no frequency). Disruption of this splice site has been observed in individuals with choroideremia (PMID: 23811034, 30297895). ClinVar contains an entry for this variant (Variation ID: 1455558). Algorithms developed to predict the effect of sequence changes on RNA splicing suggest that this variant may disrupt the consensus splice site. For these reasons, this variant has been classified as Pathogenic.

Dr. Peter K. Rogan Lab, Western University
No classification provided (evidence only). Condition: Nonpapillary renal cell carcinoma. Review status: no classification provided. Collection method: in vitro. Allele origin: not applicable. Functional consequence: retained intron. Not counted in ClinVar's aggregate classification.

Literature cited by the submitters: PubMed 16199547 (cited by Labcorp Genetics (formerly Invitae), Labcorp); PubMed 9067750 (cited by Labcorp Genetics (formerly Invitae), Labcorp); PubMed 23811034 (cited by Labcorp Genetics (formerly Invitae), Labcorp); PubMed 30297895 (cited by Labcorp Genetics (formerly Invitae), Labcorp).

NM_000390.4(CHM):c.940+2T>C

Gene: CHM (CHM Rab escort protein; minus strand). Cytogenetic location: Xq21.2.
Variant type: single nucleotide variant.
Coding change: c.940+2T>C on transcript NM_000390.4 (MANE Select); the canonical splice donor site of the intron after coding-DNA position 940, T replaced by C.
Molecular consequence: splice donor variant.
Genome position (GRCh38, 1-based): chrX:85,957,853, A>G on the plus strand (T>C on the coding strand, the complement: CHM is on the minus strand). VCF-style: chrX-85957853-A-G. GRCh37 (hg19) VCF-style: chrX-85212858-A-G.
Other names: c.496+2T>C (NM_001362519.1, NM_001362517.1, NM_001320959.1 and 1 more transcripts).
Identifiers: ClinVar variation 1455558 (VCV001455558.7), dbSNP rs2147665632, ClinGen allele CA413785635.